The following is an entry in ClinVar:

ClinVar aggregate classification (germline): Uncertain significance (1 of 4 stars; one submission).

Submission:

Labcorp Genetics (formerly Invitae), Labcorp
Classification: Uncertain significance. Last evaluated: 2024-05-31. Review status: criteria provided, single submitter. Criteria: Invitae Variant Classification Sherloc (09022015). Collection method: clinical testing. Allele origin: germline.
Comment: This sequence change replaces leucine, which is neutral and non-polar, with arginine, which is basic and polar, at codon 172 of the A2ML1 protein (p.Leu172Arg). This variant is not present in population databases (gnomAD no frequency). This variant has not been reported in the literature in individuals affected with A2ML1-related conditions. An algorithm developed to predict the effect of missense changes on protein structure and function (PolyPhen-2) suggests that this variant is likely to be disruptive. In summary, the available evidence is currently insufficient to determine the role of this variant in disease. Therefore, it has been classified as a Variant of Uncertain Significance.

NM_144670.6(A2ML1):c.515T>G (p.Leu172Arg)

Gene: A2ML1 (alpha-2-macroglobulin like 1; plus strand). Cytogenetic location: 12p13.31.
Variant type: single nucleotide variant.
Coding change: c.515T>G on transcript NM_144670.6 (MANE Select); coding-DNA position 515, T replaced by G.
Protein change: p.Leu172Arg; replaces leucine 172 with arginine.
Molecular consequence: missense variant.
Genome position (GRCh38, 1-based): chr12:8,835,538, T>G. VCF-style: chr12-8835538-T-G. GRCh37 (hg19) VCF-style: chr12-8988134-T-G.
Other names: short protein forms L172R.
Identifiers: ClinVar variation 3655156 (VCV003655156.2).